The following is an entry in ClinVar:

NM_207122.2(EXT2):c.481_482dup (p.Asn161fs)

Gene: EXT2 (exostosin glycosyltransferase 2; plus strand). Cytogenetic location: 11p11.2.
Variant type: Duplication.
Coding change: c.481_482dup on transcript NM_207122.2 (MANE Select); coding-DNA positions 481 to 482, 2 bases duplicated (AA; older notation c.481_482dupAA).
Protein change: p.Asn161fs; shifts the reading frame from asparagine 161.
Molecular consequence: frameshift variant.
Genome position (GRCh38, 1-based): chr11:44,108,193-44,108,194, AA duplicated. VCF-style (leftmost placement, unchanged base first): chr11-44108192-T-TAA. GRCh37 (hg19) VCF-style: chr11-44129742-T-TAA.
Other names: c.580_581dup, p.Asn194fs (NM_000401.3); c.481_482dup, p.Asn161fs (NM_001178083.3, NM_001389628.1, NM_001389630.1); short protein forms N161fs, N194fs.
Identifiers: ClinVar variation 817343 (VCV000817343.3), dbSNP rs1590548336, ClinGen allele CA915948122.

ClinVar aggregate classification (germline): Pathogenic. Review status: criteria provided, multiple submitters, no conflicts (2 of 4 stars). 2 submissions from 2 submitters: Pathogenic (2). Last evaluated 2025-02-13.

Conditions:
Exostoses, multiple, type 2 (EXT2). Also called: Hereditary Multiple Osteochondromatosis, Type II; EXOSTOSES, MULTIPLE, TYPE II. Identifiers: Orphanet 321, MedGen C1851413, MONDO:0007586, OMIM 133701.

Submissions (2):

Labcorp Genetics (formerly Invitae), Labcorp
Classification: Pathogenic for Exostoses, multiple, type 2. Last evaluated: 2025-02-13. Review status: criteria provided, single submitter. Criteria: Invitae Variant Classification Sherloc (09022015). Collection method: clinical testing. Allele origin: germline.
Comment: This sequence change creates a premature translational stop signal (p.Asn161Lysfs*110) in the EXT2 gene. It is expected to result in an absent or disrupted protein product. Loss-of-function variants in EXT2 are known to be pathogenic (PMID: 10679937, 19810120). This variant is not present in population databases (gnomAD no frequency). This variant has not been reported in the literature in individuals affected with EXT2-related conditions. ClinVar contains an entry for this variant (Variation ID: 817343). For these reasons, this variant has been classified as Pathogenic.

GeneDx
Classification: Pathogenic. Last evaluated: 2018-12-04. Review status: criteria provided, single submitter. Criteria: GeneDx Variant Classification (06012015). Collection method: clinical testing. Allele origin: germline. Affected: yes.
Comment: The c.481_482dupAA pathogenic variant in the EXT2 gene causes a frameshift starting with codon Asparagine 161, changes this amino acid to a Lysine residue and creates a premature Stop codon at position 110 of the new reading frame, denoted p.N161KfsX110. This pathogenic variant is predicted to cause loss of normal protein function either through protein truncation or nonsense-mediated mRNA decay. The c.481_482dupAA variant is not observed in large population cohorts (Lek et al., 2016). Although this pathogenic variant has not been previously reported to our knowledge, its presence is consistent with a molecular diagnosis of hereditary multiple exostoses.

Literature cited by the submitters: PubMed 10679937 (cited by Labcorp Genetics (formerly Invitae), Labcorp); PubMed 19810120 (cited by Labcorp Genetics (formerly Invitae), Labcorp).